The following is an entry in ClinVar:

ClinVar aggregate classification (germline): Uncertain significance (1 of 4 stars; one submission).

Conditions:
Fanconi anemia complementation group O. Also called: RAD51C-Related Fanconi Anemia. Identifiers: Orphanet 84, MedGen C3150653, MONDO:0013248, OMIM 613390.

Submission:

Labcorp Genetics (formerly Invitae), Labcorp
Classification: Uncertain significance for Fanconi anemia complementation group O. Last evaluated: 2017-02-15. Review status: criteria provided, single submitter. Criteria: Invitae Variant Classification Sherloc (09022015). Collection method: clinical testing. Allele origin: germline.
Comment: In summary, this variant is a novel missense change with uncertain impact on protein function. It has been classified as a Variant of Uncertain Significance. Algorithms developed to predict the effect of missense changes on protein structure and function (SIFT, PolyPhen-2, Align-GVGD) all suggest that this variant is likely to be disruptive, but these predictions have not been confirmed by published functional studies. This variant is not present in population databases (ExAC no frequency) and has not been reported in the literature in individuals with a RAD51C-related disease. This sequence change replaces phenylalanine with cysteine at codon 157 of the RAD51C protein (p.Phe157Cys). The phenylalanine residue is moderately conserved and there is a large physicochemical difference between phenylalanine and cysteine.

NM_058216.3(RAD51C):c.470T>G (p.Phe157Cys)

Gene: RAD51C (RAD51 paralog C; plus strand). Cytogenetic location: 17q22.
Variant type: single nucleotide variant.
Coding change: c.470T>G on transcript NM_058216.3 (MANE Select); coding-DNA position 470, T replaced by G.
Protein change: p.Phe157Cys; replaces phenylalanine 157 with cysteine.
Molecular consequence: missense variant.
Genome position (GRCh38, 1-based): chr17:58,696,758, T>G. VCF-style: chr17-58696758-T-G. GRCh37 (hg19) VCF-style: chr17-56774119-T-G.
Other names: short protein forms F157C.
Identifiers: ClinVar variation 478611 (VCV000478611.8), dbSNP rs1555594699, ClinGen allele CA400344651.